The following is an entry in ClinVar:

ClinVar aggregate classification (germline): Uncertain significance. Review status: criteria provided, multiple submitters, no conflicts (2 of 4 stars). 2 submissions from 2 submitters: Uncertain significance (2). Last evaluated 2023-08-19.

Conditions:
Hereditary breast ovarian cancer syndrome. Also called: Hereditary breast and/or ovarian cancer syndrome; BRCA1- and BRCA2-Associated Hereditary Breast and Ovarian Cancer; Hereditary breast and ovarian cancer syndrome; Hereditary breast and ovarian cancer; Hereditary breast and ovarian cancer syndrome (HBOC); Breast and ovarian cancer. Identifiers: Orphanet 145, MedGen C0677776, MeSH D061325, MONDO:0003582. Disease mechanism: loss of function.
Hereditary cancer-predisposing syndrome. Also called: Neoplastic Syndromes, Hereditary; Tumor predisposition; Hereditary neoplastic syndrome; Hereditary Cancer Syndrome. Identifiers: Orphanet 140162, MedGen C0027672, MeSH D009386, MONDO:0015356.

Submissions (2):

Labcorp Genetics (formerly Invitae), Labcorp
Classification: Uncertain significance for Hereditary breast ovarian cancer syndrome. Last evaluated: 2023-08-19. Review status: criteria provided, single submitter. Criteria: Invitae Variant Classification Sherloc (09022015). Collection method: clinical testing. Allele origin: germline.
Comment: This variant is not present in population databases (gnomAD no frequency). This sequence change replaces lysine, which is basic and polar, with glutamic acid, which is acidic and polar, at codon 1179 of the BRCA1 protein (p.Lys1179Glu). This variant has not been reported in the literature in individuals affected with BRCA1-related conditions. ClinVar contains an entry for this variant (Variation ID: 2450669). Advanced modeling of protein sequence and biophysical properties (such as structural, functional, and spatial information, amino acid conservation, physicochemical variation, residue mobility, and thermodynamic stability) performed at Invitae indicates that this missense variant is not expected to disrupt BRCA1 protein function. In summary, the available evidence is currently insufficient to determine the role of this variant in disease. Therefore, it has been classified as a Variant of Uncertain Significance.

Ambry Genetics
Classification: Uncertain significance for Hereditary cancer-predisposing syndrome. Last evaluated: 2022-12-21. Review status: criteria provided, single submitter. Criteria: Ambry Variant Classification Scheme 2023. Collection method: clinical testing. Allele origin: germline.
Comment: The p.K1179E variant (also known as c.3535A>G), located in coding exon 9 of the BRCA1 gene, results from an A to G substitution at nucleotide position 3535. The lysine at codon 1179 is replaced by glutamic acid, an amino acid with similar properties. This amino acid position is well conserved in available vertebrate species. In addition, the in silico prediction for this alteration is inconclusive. Since supporting evidence is limited at this time, the clinical significance of this alteration remains unclear.

NM_007294.4(BRCA1):c.3535A>G (p.Lys1179Glu)

Genes: BRCA1 (BRCA1 DNA repair associated; minus strand), LOC126862571 (BRD4-independent group 4 enhancer GRCh37_chr17:41243136-41244335; plus strand). Cytogenetic location: 17q21.31.
Variant type: single nucleotide variant.
Coding change: c.3535A>G on transcript NM_007294.4 (MANE Select); coding-DNA position 3535, A replaced by G.
Protein change: p.Lys1179Glu; replaces lysine 1179 with glutamic acid.
Molecular consequence: missense variant. On other transcripts: intron variant (135).
Genome position (GRCh38, 1-based): chr17:43,091,996, T>C on the plus strand (A>G on the coding strand, the complement: BRCA1 is on the minus strand). VCF-style: chr17-43091996-T-C. GRCh37 (hg19) VCF-style: chr17-41244013-T-C.
Other names: c.3202A>G, p.Lys1068Glu (NM_001407953.1, NM_001407957.1, NM_001407946.1 and 6 more transcripts); c.3199A>G, p.Lys1067Glu (NM_001407954.1, NM_001407955.1, NM_001407956.1 and 1 more transcripts); c.3154A>G, p.Lys1052Glu (NM_001407959.1, NM_001407960.1, NM_001407963.1); c.3151A>G, p.Lys1051Glu (NM_001407962.1); c.3526A>G, p.Lys1176Glu (NM_001407647.1, NM_001407646.1); c.3412A>G, p.Lys1138Glu (NM_001407648.1, NM_001407664.1, NM_001407665.1 and 19 more transcripts); c.3409A>G, p.Lys1137Glu (NM_001407649.1, NM_001407670.1, NM_001407671.1 and 11 more transcripts); c.3535A>G, p.Lys1179Glu (NM_001407652.1, NM_001407684.1, NM_001407854.1 and 30 more transcripts); and 41 more; short protein forms K1052E, K1067E, K1090E, K1111E, K883E, K1011E, K1051E, K1091E.
Identifiers: ClinVar variation 2450669 (VCV002450669.5), dbSNP rs587782188, ClinGen allele CA10594899.
Genomic context (GRCh38, chr17:43,091,996, plus strand): 5'-CCAAATGTGTATGGGTGAAAGGGCTAGGACTCCTGCTAAGCTCTCCTTTCTGGACGCTTT[T>C]GCTAAAAACAGCAGAACTTTCCTTAATGTCATTTTCAGCAAAACTAGTATCTTCCTTTAT-3'
Protein context (NP_009225.1, residues 1169-1189): DIKESSAVFS[Lys1179Glu]SVQKGELSRS